The following is an entry in ClinVar:

NM_000492.4(CFTR):c.327T>A (p.Tyr109Ter)

Gene: CFTR (CF transmembrane conductance regulator; plus strand). Cytogenetic location: 7q31.2.
Variant type: single nucleotide variant.
Coding change: c.327T>A on transcript NM_000492.4 (MANE Select); coding-DNA position 327, T replaced by A.
Protein change: p.Tyr109Ter; replaces tyrosine 109 with a stop codon.
Molecular consequence: nonsense.
Genome position (GRCh38, 1-based): chr7:117,530,952, T>A. VCF-style: chr7-117530952-T-A. GRCh37 (hg19) VCF-style: chr7-117171006-T-A.
Other names: Y109X; short protein forms Y109*.
Identifiers: ClinVar variation 53702 (VCV000053702.7), dbSNP rs397508528, ClinGen allele CA327123.
Genomic context (GRCh38, chr7:117,530,952, plus strand): 5'-TTTGTAGGAAGTCACCAAAGCAGTACAGCCTCTCTTACTGGGAAGAATCATAGCTTCCTA[T>A]GACCCGGATAACAAGGAGGAACGCTCTATCGCGATTTATCTAGGCATAGGCTTATGCCTT-3'

ClinVar aggregate classification (germline): Pathogenic/Likely pathogenic. Review status: criteria provided, multiple submitters, no conflicts (2 of 4 stars). 6 submissions from 6 submitters: Pathogenic (3); Likely pathogenic (1). 2 of the submissions do not count toward it. Last evaluated 2024-05-20.

Conditions:
CFTR-related disorder (CFTR-RD). Also called: CFTR-related condition; CFTR-related disorders. Identifiers: MedGen C5924204, MONDO:7770004.
Cystic fibrosis (CF). Also called: MUCOVISCIDOSIS. Identifiers: Orphanet 586, MedGen C0010674, MONDO:0009061, OMIM 219700. Disease mechanism: loss of function.

Submissions (6):

Natera, Inc.
Classification: Likely pathogenic for CFTR-related disorders. Last evaluated: 2024-05-20. Review status: criteria provided, single submitter. Criteria: Natera Variant Classification Schema (03/2026). Collection method: clinical testing. Allele origin: germline.
Comment: The c.327T>A variant in CFTR is a nonsense variant predicted to introduce a stop codon at amino acid 109. This variant is expected to result in nonsense mediated decay, truncation, or a dysfunctional protein product. This variant is rare in the general population with a frequency below the threshold expected for the associated phenotype(s). Functional studies show that this variant may disrupt protein function (PMID: 37422433). Given the available evidence, this variant is classified as Likely Pathogenic.

Labcorp Genetics (formerly Invitae), Labcorp
Classification: Pathogenic for Cystic fibrosis. Last evaluated: 2024-02-01. Review status: criteria provided, single submitter. Criteria: Invitae Variant Classification Sherloc (09022015). Collection method: clinical testing. Allele origin: germline.
Comment: This sequence change creates a premature translational stop signal (p.Tyr109*) in the CFTR gene. It is expected to result in an absent or disrupted protein product. Loss-of-function variants in CFTR are known to be pathogenic (PMID: 1695717, 7691345, 9725922). This variant is not present in population databases (gnomAD no frequency). This premature translational stop signal has been observed in individual(s) with cystic fibrosis (PMID: 15025720). ClinVar contains an entry for this variant (Variation ID: 53702). For these reasons, this variant has been classified as Pathogenic.

Institute of Human Genetics, University of Leipzig Medical Center
Classification: Pathogenic for Cystic fibrosis. Last evaluated: 2022-09-05. Review status: criteria provided, single submitter. Criteria: ACMG Guidelines, 2015. Collection method: curation. Allele origin: unknown. Affected: yes. Observed: 1 variant allele.
Comment: The variant was classified in the context of a project re-classifying variants in the German Cystic Fibrosis Registry (Muko.e.V.). Criteria applied: PVS1, PM3_STR, PM2_SUP, PP4

CFTR-France
Classification: Pathogenic for cystic fibrosis. Last evaluated: 2018-01-29. Review status: criteria provided, single submitter. Criteria: Claustres M et al. (Hum Mutat 2017). Collection method: curation. Allele origin: germline. Affected: yes.

Counsyl
Classification: Likely pathogenic for Cystic fibrosis. Last evaluated: 2018-01-22. Review status: no assertion criteria provided. Collection method: clinical testing. Allele origin: unknown. Not counted in ClinVar's aggregate classification.

ClinVar Staff, National Center for Biotechnology Information (NCBI)
No classification provided. Condition: CFTR-related disorders. Review status: no classification provided. Collection method: literature only. Allele origin: germline. Affected: yes. Not counted in ClinVar's aggregate classification.

Literature cited by the submitters: PubMed 37422433 (cited by Natera, Inc.); PubMed 1695717 (cited by Labcorp Genetics (formerly Invitae), Labcorp); PubMed 7691345 (cited by Labcorp Genetics (formerly Invitae), Labcorp); PubMed 9725922 (cited by Labcorp Genetics (formerly Invitae), Labcorp); PubMed 15025720 (cited by 3 submitters).